The following is an entry in ClinVar:

NM_001723.7(DST):c.5911G>A (p.Asp1971Asn)

Gene: DST (dystonin; minus strand). Cytogenetic location: 6p12.1.
Variant type: single nucleotide variant.
Coding change: c.5911G>A on transcript NM_001723.7 (MANE Plus Clinical); coding-DNA position 5911, G replaced by A.
Protein change: p.Asp1971Asn; replaces aspartic acid 1971 with asparagine.
Molecular consequence: missense variant. On other transcripts: intron variant (10).
Genome position (GRCh38, 1-based): chr6:56,618,123, C>T on the plus strand (G>A on the coding strand, the complement: DST is on the minus strand). VCF-style: chr6-56618123-C-T. GRCh37 (hg19) VCF-style: chr6-56482921-C-T.
Other names: c.4831-3639G>A (NM_001144769.5); c.4930-3639G>A (NM_001374722.1, NM_001374736.1); c.4957-3639G>A (NM_001374734.1); c.4417-3639G>A (NM_001144770.2); c.4297-3639G>A (NM_001374730.1, NM_001386100.1, NM_183380.4 and 1 more transcripts); c.3319-3639G>A (NM_015548.5); short protein forms D1971N.
Identifiers: ClinVar variation 855074 (VCV000855074.10), dbSNP rs369745616, ClinGen allele CA3870283.

ClinVar aggregate classification (germline): Uncertain significance (1 of 4 stars; one submission).

Conditions:
Hereditary sensory and autonomic neuropathy type 6. Also called: HSAN VI; Neuropathy, hereditary sensory and autonomic, type VI. Identifiers: Orphanet 314381, MedGen C3539003, MONDO:0013839, OMIM 614653.
Epidermolysis bullosa simplex 3, localized or generalized intermediate, with BP230 deficiency (EBS3). Also called: Epidermolysis bullosa simplex due to BP230 deficiency; Epidermolysis bullosa simplex, autosomal recessive 2. Identifiers: Orphanet 412181, MedGen C3809470, MONDO:0014180, OMIM 615425.

Allele frequency attached by ClinVar (database versions not stated): ESP Exome Variant Server 0.00008.
gnomAD v4.1: 1 of 1,614,114 alleles (0.000062%); highest among the groups gnomAD compares: Non-Finnish European, 0.000085%; no homozygotes.

Submission:

Labcorp Genetics (formerly Invitae), Labcorp
Classification: Uncertain significance for Epidermolysis bullosa simplex 3, localized or generalized intermediate, with BP230 deficiency; Hereditary sensory and autonomic neuropathy type 6. Last evaluated: 2019-04-03. Review status: criteria provided, single submitter. Criteria: Invitae Variant Classification Sherloc (09022015). Collection method: clinical testing. Allele origin: germline.
Comment: In summary, the available evidence is currently insufficient to determine the role of this variant in disease. Therefore, it has been classified as a Variant of Uncertain Significance. Algorithms developed to predict the effect of missense changes on protein structure and function are either unavailable or do not agree on the potential impact of this missense change (SIFT: "Deleterious"; PolyPhen-2: "Benign"; Align-GVGD: "Class C15"). This variant has not been reported in the literature in individuals with DST-related conditions. This variant is present in population databases (rs369745616, ExAC 0.001%). This sequence change replaces aspartic acid with asparagine at codon 1971 of the DST protein (p.Asp1971Asn). The aspartic acid residue is highly conserved and there is a small physicochemical difference between aspartic acid and asparagine.